The following is an entry in ClinVar:

NM_000051.4(ATM):c.2674A>G (p.Lys892Glu)

Gene: ATM (ATM serine/threonine kinase; plus strand). Cytogenetic location: 11q22.3.
Variant type: single nucleotide variant.
Coding change: c.2674A>G on transcript NM_000051.4 (MANE Select); coding-DNA position 2674, A replaced by G.
Protein change: p.Lys892Glu; replaces lysine 892 with glutamic acid.
Molecular consequence: missense variant.
Genome position (GRCh38, 1-based): chr11:108,268,445, A>G. VCF-style: chr11-108268445-A-G. GRCh37 (hg19) VCF-style: chr11-108139172-A-G.
Other names: c.2674A>G, p.Lys892Glu (NM_001351834.2); short protein forms K892E.
Identifiers: ClinVar variation 1794590 (VCV001794590.5), dbSNP rs2135523643, ClinGen allele CA382545114.

ClinVar aggregate classification (germline): Uncertain significance. Review status: criteria provided, multiple submitters, no conflicts (2 of 4 stars). 2 submissions from 2 submitters: Uncertain significance (2). Last evaluated 2025-10-17.

Conditions:
Ataxia-telangiectasia syndrome (AT). Also called: Ataxia-telangiectasia, complementation group D; AT, COMPLEMENTATION GROUP C; ATAXIA-TELANGIECTASIA, COMPLEMENTATION GROUP A; ATAXIA-TELANGIECTASIA, FRESNO VARIANT; Ataxia-telangiectasia; LOUIS-BAR SYNDROME. Identifiers: Orphanet 100, MedGen C0004135, MONDO:0008840, OMIM 208900.
Hereditary cancer-predisposing syndrome. Also called: Neoplastic Syndromes, Hereditary; Tumor predisposition; Hereditary neoplastic syndrome; Hereditary Cancer Syndrome. Identifiers: Orphanet 140162, MedGen C0027672, MeSH D009386, MONDO:0015356.

Submissions (2):

Ambry Genetics
Classification: Uncertain significance for Hereditary cancer-predisposing syndrome. Last evaluated: 2025-10-17. Review status: criteria provided, single submitter. Criteria: Ambry Variant Classification Scheme 2023. Collection method: clinical testing. Allele origin: germline.
Comment: The p.K892E variant (also known as c.2674A>G), located in coding exon 17 of the ATM gene, results from an A to G substitution at nucleotide position 2674. The lysine at codon 892 is replaced by glutamic acid, an amino acid with similar properties. This amino acid position is highly conserved in available vertebrate species. In addition, the in silico prediction for this alteration is inconclusive. Since supporting evidence is limited at this time, the clinical significance of this alteration remains unclear.

Labcorp Genetics (formerly Invitae), Labcorp
Classification: Uncertain significance for Ataxia-telangiectasia syndrome. Last evaluated: 2024-07-19. Review status: criteria provided, single submitter. Criteria: Invitae Variant Classification Sherloc (09022015). Collection method: clinical testing. Allele origin: germline.
Comment: This sequence change replaces lysine, which is basic and polar, with glutamic acid, which is acidic and polar, at codon 892 of the ATM protein (p.Lys892Glu). This variant is not present in population databases (gnomAD no frequency). This variant has not been reported in the literature in individuals affected with ATM-related conditions. ClinVar contains an entry for this variant (Variation ID: 1794590). An algorithm developed to predict the effect of missense changes on protein structure and function (PolyPhen-2) suggests that this variant is likely to be tolerated. In summary, the available evidence is currently insufficient to determine the role of this variant in disease. Therefore, it has been classified as a Variant of Uncertain Significance.